The following is an entry in ClinVar:

ClinVar aggregate classification (germline): Uncertain significance (1 of 4 stars; one submission).

Conditions:
Combined immunodeficiency due to DOCK8 deficiency (HIES2). Also called: DOCK8 Deficiency; HIES autosomal recessive; HYPER-IgE RECURRENT INFECTION SYNDROME 2, AUTOSOMAL RECESSIVE; HYPER-IgE SYNDROME 2, AUTOSOMAL RECESSIVE, WITH RECURRENT INFECTIONS; Hyper-IgE recurrent infection syndrome, autosomal recessive. Identifiers: Orphanet 217390, MedGen C4722305, MONDO:0009478, OMIM 243700.

Allele frequency attached by ClinVar (database versions not stated): gnomAD exomes 0.00001 and 0.00003; ExAC 0.00004; TOPMed 0.00004; gnomAD 0.00006.
gnomAD v4.1: 28 of 1,614,212 alleles (0.0017%); highest among the groups gnomAD compares: East Asian, 0.042%; no homozygotes.

Submission:

Labcorp Genetics (formerly Invitae), Labcorp
Classification: Uncertain significance for Combined immunodeficiency due to DOCK8 deficiency. Last evaluated: 2024-06-25. Review status: criteria provided, single submitter. Criteria: Invitae Variant Classification Sherloc (09022015). Collection method: clinical testing. Allele origin: germline.
Comment: This sequence change replaces isoleucine, which is neutral and non-polar, with valine, which is neutral and non-polar, at codon 584 of the DOCK8 protein (p.Ile584Val). This variant is present in population databases (rs750484278, gnomAD 0.06%). This variant has not been reported in the literature in individuals affected with DOCK8-related conditions. ClinVar contains an entry for this variant (Variation ID: 1046779). Advanced modeling of protein sequence and biophysical properties (such as structural, functional, and spatial information, amino acid conservation, physicochemical variation, residue mobility, and thermodynamic stability) performed at Invitae indicates that this missense variant is not expected to disrupt DOCK8 protein function with a negative predictive value of 80%. In summary, the available evidence is currently insufficient to determine the role of this variant in disease. Therefore, it has been classified as a Variant of Uncertain Significance.

NM_203447.4(DOCK8):c.1750A>G (p.Ile584Val)

Gene: DOCK8 (dedicator of cytokinesis 8; plus strand). Cytogenetic location: 9p24.3.
Variant type: single nucleotide variant.
Coding change: c.1750A>G on transcript NM_203447.4 (MANE Select); coding-DNA position 1750, A replaced by G.
Protein change: p.Ile584Val; replaces isoleucine 584 with valine.
Molecular consequence: missense variant.
Genome position (GRCh38, 1-based): chr9:368,088, A>G. VCF-style: chr9-368088-A-G. GRCh37 (hg19) VCF-style: chr9-368088-A-G.
Other names: c.1546A>G, p.Ile516Val (NM_001190458.2, NM_001193536.2); short protein forms I516V, I584V.
Identifiers: ClinVar variation 1046779 (VCV001046779.9), dbSNP rs750484278, ClinGen allele CA4957870.